The following is an entry in ClinVar:

ClinVar aggregate classification (germline): Benign/Likely benign. Review status: criteria provided, multiple submitters, no conflicts (2 of 4 stars). 4 submissions from 4 submitters: Benign (2); Likely benign (2). Last evaluated 2026-09-01.

Allele frequency attached by ClinVar (database versions not stated): 1000 Genomes Project 0.00040; 1000 Genomes Project 30x 0.00047; ESP Exome Variant Server 0.00092; gnomAD exomes 0.00100 and 0.00174; gnomAD 0.00119 and 0.00129; TOPMed 0.00171; ExAC 0.00210.
gnomAD v4.1: 1,721 of 1,600,688 alleles (0.11%); highest among the groups gnomAD compares: Middle Eastern, 1.8%; 8 homozygotes.

Submissions (4):

CeGaT Center for Human Genetics Tuebingen
Classification: Likely benign. Last evaluated: 2026-09-01. Review status: criteria provided, single submitter. Criteria: CeGaT Center For Human Genetics Tuebingen Variant Classification Criteria Version 2. Collection method: clinical testing. Allele origin: germline. Affected: yes. Observed: 16 variant alleles.
Comment: WDR81: BP4, BP7

Blueprint Genetics
Classification: Likely benign. Last evaluated: 2024-11-20. Review status: criteria provided, single submitter. Criteria: ACMG Guidelines, 2015. Collection method: clinical testing. Allele origin: germline.

Labcorp Genetics (formerly Invitae), Labcorp
Classification: Benign. Last evaluated: 2019-12-31. Review status: criteria provided, single submitter. Criteria: Invitae Variant Classification Sherloc (09022015). Collection method: clinical testing. Allele origin: germline.

Breakthrough Genomics
Classification: Benign. Review status: criteria provided, single submitter. Criteria: ACMG Guidelines, 2015. Collection method: not provided. Allele origin: germline. Inheritance: Autosomal recessive inheritance. Affected: yes.

NM_001163809.2(WDR81):c.3528C>T (p.Thr1176=)

Gene: WDR81 (WD repeat domain 81; plus strand). Cytogenetic location: 17p13.3.
Variant type: single nucleotide variant.
Coding change: c.3528C>T on transcript NM_001163809.2 (MANE Select); coding-DNA position 3528, C replaced by T.
Protein change: p.Thr1176=; no amino-acid change (threonine 1176 retained).
Molecular consequence: synonymous variant. On other transcripts: intron variant (2).
Genome position (GRCh38, 1-based): chr17:1,728,487, C>T. VCF-style: chr17-1728487-C-T. GRCh37 (hg19) VCF-style: chr17-1631781-C-T.
Other names: c.375C>T, p.Thr125= (NM_152348.4); c.59-1893C>T (NM_001163673.2); c.-14-1893C>T (NM_001163811.2).
Identifiers: ClinVar variation 711526 (VCV000711526.30), dbSNP rs148375698, ClinGen allele CA8273272.